The following is an entry in ClinVar:

NM_024675.4(PALB2):c.2601C>T (p.Ser867=)

Gene: PALB2 (partner and localizer of BRCA2; minus strand). Cytogenetic location: 16p12.2.
Variant type: single nucleotide variant.
Coding change: c.2601C>T on transcript NM_024675.4 (MANE Select); coding-DNA position 2601, C replaced by T.
Protein change: p.Ser867=; no amino-acid change (serine 867 retained).
Molecular consequence: synonymous variant.
Genome position (GRCh38, 1-based): chr16:23,626,383, G>A on the plus strand (C>T on the coding strand, the complement: PALB2 is on the minus strand). VCF-style: chr16-23626383-G-A. GRCh37 (hg19) VCF-style: chr16-23637704-G-A.
Identifiers: ClinVar variation 184006 (VCV000184006.6), dbSNP rs786201218, ClinGen allele CA187462.

ClinVar aggregate classification (germline): Benign/Likely benign. Review status: criteria provided, multiple submitters, no conflicts (2 of 4 stars). 2 submissions from 2 submitters: Benign (1); Likely benign (1). Last evaluated 2025-01-17.

Conditions:
Hereditary cancer-predisposing syndrome. Also called: Tumor predisposition; Hereditary Cancer Syndrome; Hereditary neoplastic syndrome; Neoplastic Syndromes, Hereditary. Identifiers: Orphanet 140162, MedGen C0027672, MeSH D009386, MONDO:0015356.
Familial cancer of breast. Also called: BREAST CANCER, FAMILIAL; Hereditary breast cancer; hereditary breast carcinoma. Identifiers: Orphanet 227535, MedGen C0346153, MONDO:0016419, OMIM 114480. Disease mechanism: loss of function.

Submissions (2):

Myriad Genetics, Inc.
Classification: Benign for Familial cancer of breast. Last evaluated: 2025-01-17. Review status: criteria provided, single submitter. Criteria: Myriad Autosomal Dominant, Autosomal Recessive and X-Linked Classification Criteria (2023). Collection method: clinical testing. Allele origin: unknown.
Comment: This variant is considered benign. This variant is a silent/synonymous amino acid change and it is not expected to impact splicing.

Ambry Genetics
Classification: Likely benign for Hereditary cancer-predisposing syndrome. Last evaluated: 2016-03-14. Review status: criteria provided, single submitter. Criteria: Ambry Variant Classification Scheme 2023. Collection method: clinical testing. Allele origin: germline.